The following is an entry in ClinVar:

NM_020884.7(MYH7B):c.3454G>C (p.Glu1152Gln)

Gene: MYH7B (myosin heavy chain 7B; plus strand). Cytogenetic location: 20q11.22.
Variant type: single nucleotide variant.
Coding change: c.3454G>C on transcript NM_020884.7 (MANE Select); coding-DNA position 3454, G replaced by C.
Protein change: p.Glu1152Gln; replaces glutamic acid 1152 with glutamine.
Molecular consequence: missense variant.
Genome position (GRCh38, 1-based): chr20:34,997,347, G>C. VCF-style: chr20-34997347-G-C. GRCh37 (hg19) VCF-style: chr20-33585150-G-C.
Other names: c.3580G>C (NM_020884.3, NM_020884.4); short protein forms E1152Q.
Identifiers: ClinVar variation 2075505 (VCV002075505.6), dbSNP rs748756488, ClinGen allele CA9827738.

ClinVar aggregate classification (germline): Conflicting classifications of pathogenicity. Review status: criteria provided, conflicting classifications (1 of 4 stars). 3 submissions from 3 submitters: Uncertain significance (2); Likely benign (1). Last evaluated 2025-11-10.

Conditions:
MYH7B-related disorder. Also called: MYH7B-related condition.

Allele frequency attached by ClinVar (database versions not stated): gnomAD 0.00002; TOPMed 0.00006; ExAC 0.00008.
gnomAD v4.1: 45 of 1,539,300 alleles (0.0029%); highest among the groups gnomAD compares: Admixed American, 0.088%; no homozygotes.

Submissions (3):

PreventionGenetics, part of Exact Sciences
Classification: Likely benign for MYH7B-related condition. Last evaluated: 2025-11-10. Review status: criteria provided, single submitter. Criteria: ACMG Guidelines, 2015. Collection method: clinical testing. Allele origin: germline.
Comment: This variant is classified as likely benign based on ACMG/AMP sequence variant interpretation guidelines (Richards et al. 2015 PMID: 25741868, with internal and published modifications).

Labcorp Genetics (formerly Invitae), Labcorp
Classification: Uncertain significance. Last evaluated: 2024-06-13. Review status: criteria provided, single submitter. Criteria: Invitae Variant Classification Sherloc (09022015). Collection method: clinical testing. Allele origin: germline.
Comment: This sequence change replaces glutamic acid, which is acidic and polar, with glutamine, which is neutral and polar, at codon 1194 of the MYH7B protein (p.Glu1194Gln). This variant is present in population databases (rs748756488, gnomAD 0.2%), and has an allele count higher than expected for a pathogenic variant. This variant has not been reported in the literature in individuals affected with MYH7B-related conditions. ClinVar contains an entry for this variant (Variation ID: 2075505). Advanced modeling of protein sequence and biophysical properties (such as structural, functional, and spatial information, amino acid conservation, physicochemical variation, residue mobility, and thermodynamic stability) has been performed at Invitae for this missense variant, however the output from this modeling did not meet the statistical confidence thresholds required to predict the impact of this variant on MYH7B protein function. In summary, the available evidence is currently insufficient to determine the role of this variant in disease. Therefore, it has been classified as a Variant of Uncertain Significance.

Ambry Genetics
Classification: Uncertain significance. Last evaluated: 2023-10-03. Review status: criteria provided, single submitter. Criteria: Ambry Variant Classification Scheme 2023. Collection method: clinical testing. Allele origin: germline.